The following continues an entry in ClinVar:

NM_004360.5(CDH1):c.1003C>T (p.Arg335Ter)

Gene: CDH1. ClinVar aggregate classification (germline): Pathogenic. Pathogenic (1).

Submissions 11 to 16 of 16:

Sema4
Classification: Pathogenic for Hereditary cancer-predisposing syndrome. Last evaluated: 2021-01-11. Review status: criteria provided, single submitter. Criteria: Sema4 Curation Guidelines. Collection method: curation. Allele origin: germline. Not counted in ClinVar's aggregate classification.
Comment: The CDH1 c.1003C>T (p.R335X) variant has been reported several individuals with gastric cancer (PMID: 22723466, 16061854). This nonsense variant creates a premature stop codon at residue 335 of the CDH1 protein. At this location, this is predicted to cause nonsense-mediated decay and result in an absent protein (loss of function). This variant was observed in 1/30612 chromosomes in the Latino population, with no homozygotes, according to the Genome Aggregation Database (PMID: 32461654). This variant has been classified as pathogenic by a ClinGen-approved expert panel. Based on the current evidence available, this variant is interpreted as pathogenic.

GeneDx
Classification: Pathogenic. Last evaluated: 2018-01-25. Review status: criteria provided, single submitter. Criteria: GeneDx Variant Classification (06012015). Collection method: clinical testing. Allele origin: germline. Affected: yes. Not counted in ClinVar's aggregate classification.
Comment: This pathogenic variant is denoted CDH1 c.1003C>T at the cDNA level and p.Arg335Ter (R335X) at the protein level. The substitution creates a nonsense variant, which changes an Arginine to a premature stop codon (CGA>TGA), and is predicted to cause loss of normal protein function through either protein truncation or nonsense-mediated mRNA decay. This variant has been reported in multiple hereditary diffuse gastric cancer families (Jonsson 2002, Suriano 2005, Norton 2007, Onitilo 2011, Kim 2013, van der Post 2015) and is considered pathogenic.

Genesis Genomics
Classification: Pathogenic for Hereditary diffuse gastric adenocarcinoma. Review status: criteria provided, single submitter. Criteria: ACMG Guidelines, 2015. Collection method: clinical testing. Allele origin: germline. Affected: yes. Observed: 1 variant allele. Not counted in ClinVar's aggregate classification.

Juno Genomics, Hangzhou Juno Genomics, Inc
Classification: Pathogenic for Familial prostate cancer; Blepharocheilodontic syndrome 1; Familial cancer of breast; Hereditary diffuse gastric adenocarcinoma; Endometrial carcinoma; Ovarian cancer. Review status: criteria provided, single submitter. Criteria: ACMG Guidelines, 2015. Collection method: clinical testing. Allele origin: germline. Affected: yes. Not counted in ClinVar's aggregate classification.
Comment: Null variant in a gene where loss of function (LOF) is a known mechanism of disease.;Novel missense change at an amino acid residue where a different missense change determined to be pathogenic has been seen before.;Co-segregation with disease in multiple affected family members in a gene definitively known to cause the disease.

Laboratory for Genotyping Development, RIKEN
Classification: Pathogenic for Gastric cancer. Last evaluated: 2021-07-01. Review status: no assertion criteria provided. Collection method: research. Allele origin: germline. Not counted in ClinVar's aggregate classification.

Pathway Genomics
Classification: Pathogenic for Hereditary diffuse gastric cancer. Last evaluated: 2014-07-24. Review status: no assertion criteria provided. Collection method: clinical testing. Allele origin: germline. Not counted in ClinVar's aggregate classification.

Literature cited by the submitters: PubMed 22723466 (cited by 5 submitters); PubMed 17522512 (cited by 4 submitters); PubMed 16061854 (cited by 6 submitters); PubMed 15235021 (cited by Labcorp Genetics (formerly Invitae), Labcorp); PubMed 20373070 (cited by Labcorp Genetics (formerly Invitae), Labcorp and Quest Diagnostics Nichols Institute San Juan Capistrano); PubMed 11948460 (cited by 4 submitters); PubMed 18442100 (cited by 3 submitters); PubMed 20719348 (cited by 3 submitters); PubMed 26072394 (cited by 5 submitters); PubMed 32758476 (cited by Dasa); PubMed 19269290 (cited by Color Diagnostics, LLC DBA Color Health); PubMed 21424370 (cited by 3 submitters); PubMed 23264079 (cited by Color Diagnostics, LLC DBA Color Health and Ambry Genetics); PubMed 28688938 (cited by Color Diagnostics, LLC DBA Color Health and European Reference Network on Genetic Tumour Risk Syndromes (ERN-GENTURIS), i3s - Instituto de Investigação e Inovação em Saúde, University of Porto); PubMed 29025585 (cited by Ambry Genetics and Quest Diagnostics Nichols Institute San Juan Capistrano); PubMed 36436516 (cited by European Reference Network on Genetic Tumour Risk Syndromes (ERN-GENTURIS), i3s - Instituto de Investigação e Inovação em Saúde, University of Porto); PubMed 31589614 (cited by Quest Diagnostics Nichols Institute San Juan Capistrano); PubMed 30287823 (cited by Quest Diagnostics Nichols Institute San Juan Capistrano); PubMed 31514334 (cited by Quest Diagnostics Nichols Institute San Juan Capistrano); PubMed 36988593 (cited by Laboratory for Genotyping Development, RIKEN).